The following is an entry in ClinVar:

ClinVar aggregate classification (germline): Uncertain significance (1 of 4 stars; one submission).

Conditions:
Hereditary sensory and autonomic neuropathy type 6. Also called: HSAN VI; Neuropathy, hereditary sensory and autonomic, type VI. Identifiers: Orphanet 314381, MedGen C3539003, MONDO:0013839, OMIM 614653.
Epidermolysis bullosa simplex 3, localized or generalized intermediate, with BP230 deficiency (EBS3). Also called: Epidermolysis bullosa simplex due to BP230 deficiency; Epidermolysis bullosa simplex, autosomal recessive 2. Identifiers: Orphanet 412181, MedGen C3809470, MONDO:0014180, OMIM 615425.

Allele frequency attached by ClinVar (database versions not stated): gnomAD 0.00001; ExAC 0.00002.
gnomAD v4.1: 5 of 1,613,680 alleles (0.00031%); highest among the groups gnomAD compares: Non-Finnish European, 0.00042%; no homozygotes.

Submission:

Labcorp Genetics (formerly Invitae), Labcorp
Classification: Uncertain significance for Epidermolysis bullosa simplex 3, localized or generalized intermediate, with BP230 deficiency; Hereditary sensory and autonomic neuropathy type 6. Last evaluated: 2022-07-25. Review status: criteria provided, single submitter. Criteria: Invitae Variant Classification Sherloc (09022015). Collection method: clinical testing. Allele origin: germline.
Comment: The DST gene has multiple clinically relevant transcripts. This variant occurs in alternate transcript NM_015548.4, and corresponds to NM_001723.5:c.*58132G>A in the primary transcript. This sequence change replaces methionine with isoleucine at codon 2235 of the DST protein (p.Met2235Ile). This variant is present in population databases (rs774247228, gnomAD 0.002%). This variant has not been reported in the literature in individuals affected with DST-related conditions. Experimental studies and prediction algorithms are not available or were not evaluated, and the functional significance of this variant is currently unknown. In summary, the available evidence is currently insufficient to determine the role of this variant in disease. Therefore, it has been classified as a Variant of Uncertain Significance.

NM_001374736.1(DST):c.14574G>A (p.Met4858Ile)

Gene: DST (dystonin; minus strand). Cytogenetic location: 6p12.1.
Variant type: single nucleotide variant.
Coding change: c.14574G>A on transcript NM_001374736.1 (MANE Select); coding-DNA position 14574, G replaced by A.
Protein change: p.Met4858Ile; replaces methionine 4858 with isoleucine.
Molecular consequence: missense variant.
Genome position (GRCh38, 1-based): chr6:56,557,385, C>T on the plus strand (G>A on the coding strand, the complement: DST is on the minus strand). VCF-style: chr6-56557385-C-T. GRCh37 (hg19) VCF-style: chr6-56422183-C-T.
Other names: c.8217G>A, p.Met2739Ile (NM_001144769.5); c.7803G>A, p.Met2601Ile (NM_001144770.2); c.14574G>A, p.Met4858Ile (NM_001374722.1); c.13941G>A, p.Met4647Ile (NM_001374729.1); c.7683G>A, p.Met2561Ile (NM_001374730.1, NM_001386100.1, NM_183380.4); c.14601G>A, p.Met4867Ile (NM_001374734.1); c.6705G>A, p.Met2235Ile (NM_015548.5); short protein forms M4867I, M2601I, M4858I, M2739I, M2235I, M2561I, M4647I.
Identifiers: ClinVar variation 1362611 (VCV001362611.3), dbSNP rs774247228, ClinGen allele CA3867984.